The following is an entry in ClinVar:

ClinVar aggregate classification (germline): Pathogenic. Review status: criteria provided, multiple submitters, no conflicts (2 of 4 stars). 2 submissions from 2 submitters: Pathogenic (2). Last evaluated 2021-08-25.

Conditions:
Congenital myotonia, autosomal recessive form. Also called: BECKER DISEASE; myotonia congenita, autosomal recessive; Becker Generalized Myotonia. Identifiers: Orphanet 614, MedGen C0751360, MONDO:0009715, OMIM 255700.
Congenital myotonia, autosomal dominant form (THD). Also called: THOMSEN DISEASE; Myotonia congenita autosomal dominant. Identifiers: Orphanet 614, MedGen C2936781, MONDO:0008055, OMIM 160800.

Allele frequency attached by ClinVar (database versions not stated): TOPMed 0.00001.
gnomAD v4.1: 1 of 1,607,490 alleles (0.000062%); highest among the groups gnomAD compares: Non-Finnish European, 0.000085%; no homozygotes.

Submissions (2):

Labcorp Genetics (formerly Invitae), Labcorp
Classification: Pathogenic for Congenital myotonia, autosomal recessive form; Congenital myotonia, autosomal dominant form. Last evaluated: 2021-08-25. Review status: criteria provided, single submitter. Criteria: Invitae Variant Classification Sherloc (09022015). Collection method: clinical testing. Allele origin: germline.
Comment: For these reasons, this variant has been classified as Pathogenic. Algorithms developed to predict the effect of sequence changes on RNA splicing suggest that this variant may disrupt the consensus splice site. ClinVar contains an entry for this variant (Variation ID: 836780). Disruption of this splice site has been observed in individuals with autosomal recessive myotonia congenita (PMID: 15116370; Invitae). This variant is not present in population databases (ExAC no frequency). This sequence change affects a donor splice site in intron 17 of the CLCN1 gene. It is expected to disrupt RNA splicing. Variants that disrupt the donor or acceptor splice site typically lead to a loss of protein function (PMID: 16199547), and loss-of-function variants in CLCN1 are known to be pathogenic (PMID: 17932099, 22094069, 23739125).

CeGaT Center for Human Genetics Tuebingen
Classification: Pathogenic. Last evaluated: 2016-08-01. Review status: criteria provided, single submitter. Criteria: CeGaT Center For Human Genetics Tuebingen Variant Classification Criteria Version 2. Collection method: clinical testing. Allele origin: germline. Affected: yes. Observed: 1 variant allele.

Literature cited by the submitters: PubMed 15116370 (cited by Labcorp Genetics (formerly Invitae), Labcorp); PubMed 16199547 (cited by Labcorp Genetics (formerly Invitae), Labcorp); PubMed 17932099 (cited by Labcorp Genetics (formerly Invitae), Labcorp); PubMed 22094069 (cited by Labcorp Genetics (formerly Invitae), Labcorp); PubMed 23739125 (cited by Labcorp Genetics (formerly Invitae), Labcorp).

NM_000083.3(CLCN1):c.2172+1G>A

Gene: CLCN1 (chloride voltage-gated channel 1; plus strand). Cytogenetic location: 7q34.
Variant type: single nucleotide variant.
Coding change: c.2172+1G>A on transcript NM_000083.3 (MANE Select); the canonical splice donor site of the intron after coding-DNA position 2172, G replaced by A.
Molecular consequence: splice donor variant.
Genome position (GRCh38, 1-based): chr7:143,345,763, G>A. VCF-style: chr7-143345763-G-A. GRCh37 (hg19) VCF-style: chr7-143042856-G-A.
Identifiers: ClinVar variation 836780 (VCV000836780.51), dbSNP rs1273524525, ClinGen allele CA369650840.